The following is an entry in ClinVar:

NM_133497.4(KCNV2):c.1196C>T (p.Ala399Val)

Gene: KCNV2 (potassium voltage-gated channel modifier subfamily V member 2; plus strand). Cytogenetic location: 9p24.2.
Variant type: single nucleotide variant.
Coding change: c.1196C>T on transcript NM_133497.4 (MANE Select); coding-DNA position 1196, C replaced by T.
Protein change: p.Ala399Val; replaces alanine 399 with valine.
Molecular consequence: missense variant.
Genome position (GRCh38, 1-based): chr9:2,718,935, C>T. VCF-style: chr9-2718935-C-T. GRCh37 (hg19) VCF-style: chr9-2718935-C-T.
Other names: short protein forms A399V.
Identifiers: ClinVar variation 1080229 (VCV001080229.14), dbSNP rs200444639, ClinGen allele CA4965816.

ClinVar aggregate classification (germline): Conflicting classifications of pathogenicity. Review status: criteria provided, conflicting classifications (1 of 4 stars). 5 submissions from 5 submitters: Uncertain significance (4); Likely benign (1). Last evaluated 2025-12-16.

Conditions:
KCNV2-related disorder. Also called: KCNV2-related condition.
Cone dystrophy with supernormal rod response (CDSRR). Also called: CONE DYSTROPHY WITH SUPERNORMAL ROD RESPONSES. Identifiers: Orphanet 209932, MedGen C1835897, MONDO:0012475, OMIM 610356.

Allele frequency attached by ClinVar (database versions not stated): gnomAD exomes 0.00016; 1000 Genomes Project 0.00080; 1000 Genomes Project 30x 0.00094.
gnomAD v4.1: 61 of 1,609,532 alleles (0.0038%); highest among the groups gnomAD compares: East Asian, 0.12%; no homozygotes.

Submissions (5):

Labcorp Genetics (formerly Invitae), Labcorp
Classification: Likely benign. Last evaluated: 2025-12-16. Review status: criteria provided, single submitter. Criteria: Invitae Variant Classification Sherloc (09022015). Collection method: clinical testing. Allele origin: germline.

PreventionGenetics, part of Exact Sciences
Classification: Uncertain significance for KCNV2-related condition. Last evaluated: 2024-11-07. Review status: criteria provided, single submitter. Criteria: ACMG Guidelines, 2015. Collection method: clinical testing. Allele origin: germline.
Comment: The KCNV2 c.1196C>T variant is predicted to result in the amino acid substitution p.Ala399Val. This variant has been reported in an individual with cone-rod dystrophy (Huang et al. 2017. PubMed ID: 28512305). This variant is reported in 0.23% of alleles in individuals of East Asian descent in gnomAD. At this time, the clinical significance of this variant is uncertain due to the absence of conclusive functional and genetic evidence.

Blueprint Genetics
Classification: Uncertain significance. Last evaluated: 2024-09-17. Review status: criteria provided, single submitter. Criteria: ACMG Guidelines, 2015. Collection method: clinical testing. Allele origin: germline.

Fulgent Genetics
Classification: Uncertain significance for Cone dystrophy with supernormal rod response. Last evaluated: 2023-12-22. Review status: criteria provided, single submitter. Criteria: ACMG Guidelines, 2015. Collection method: clinical testing. Allele origin: germline.

GeneDx
Classification: Uncertain significance. Last evaluated: 2019-03-26. Review status: criteria provided, single submitter. Criteria: GeneDx Variant Classification Process June 2021. Collection method: clinical testing. Allele origin: germline. Affected: yes.
Comment: In silico analysis, which includes protein predictors and evolutionary conservation, supports a deleterious effect; This variant is associated with the following publications: (PMID: 28512305)